The following is an entry in ClinVar:

NM_018089.3(ANKZF1):c.1709C>T (p.Pro570Leu)

Gene: ANKZF1 (ankyrin repeat and zinc finger peptidyl tRNA hydrolase 1; plus strand). Cytogenetic location: 2q35.
Variant type: single nucleotide variant.
Coding change: c.1709C>T on transcript NM_018089.3 (MANE Select); coding-DNA position 1709, C replaced by T.
Protein change: p.Pro570Leu; replaces proline 570 with leucine.
Molecular consequence: missense variant.
Genome position (GRCh38, 1-based): chr2:219,235,491, C>T. VCF-style: chr2-219235491-C-T. GRCh37 (hg19) VCF-style: chr2-220100213-C-T.
Other names: c.1709C>T, p.Pro570Leu (NM_001042410.2); c.1079C>T, p.Pro360Leu (NM_001282792.2); short protein forms P570L, P360L.
Identifiers: ClinVar variation 2279413 (VCV002279413.4), dbSNP rs1297493642, ClinGen allele CA350683746.
Genomic context (GRCh38, chr2:219,235,491, plus strand): 5'-GCAGGAGGCAAGTTAAACCCATTTTTGGAGTTTTTGCACCTAGGGACTCTCGGGCCCGGC[C>T]ACCTTATACTGTTGCGGCTGACAAATCAACACGTAATGAGTTCCGAAGGTTCATGGAGAA-3'
Protein context (NP_060559.2, residues 560-580): DPTVQDSRAR[Pro570Leu]PYTVAADKST

ClinVar aggregate classification (germline): Uncertain significance. Review status: criteria provided, multiple submitters, no conflicts (2 of 4 stars). 2 submissions from 2 submitters: Uncertain significance (2). Last evaluated 2024-03-03.

Allele frequency attached by ClinVar (database versions not stated): gnomAD exomes 0.00001; TOPMed 0.00001.
gnomAD v4.1: 9 of 1,613,976 alleles (0.00056%); highest among the groups gnomAD compares: Admixed American, 0.005%; no homozygotes.

Submissions (2):

Labcorp Genetics (formerly Invitae), Labcorp
Classification: Uncertain significance. Last evaluated: 2024-03-03. Review status: criteria provided, single submitter. Criteria: Invitae Variant Classification Sherloc (09022015). Collection method: clinical testing. Allele origin: germline.
Comment: This sequence change replaces proline, which is neutral and non-polar, with leucine, which is neutral and non-polar, at codon 570 of the ANKZF1 protein (p.Pro570Leu). This variant is present in population databases (no rsID available, gnomAD 0.006%). This variant has not been reported in the literature in individuals affected with ANKZF1-related conditions. ClinVar contains an entry for this variant (Variation ID: 2279413). An algorithm developed to predict the effect of missense changes on protein structure and function (PolyPhen-2) suggests that this variant is likely to be disruptive. In summary, the available evidence is currently insufficient to determine the role of this variant in disease. Therefore, it has been classified as a Variant of Uncertain Significance.

Ambry Genetics
Classification: Uncertain significance. Last evaluated: 2022-03-23. Review status: criteria provided, single submitter. Criteria: Ambry Variant Classification Scheme 2023. Collection method: clinical testing. Allele origin: germline.